The following is an entry in ClinVar:

NM_013275.6(ANKRD11):c.2330A>G (p.Glu777Gly)

Gene: ANKRD11 (ankyrin repeat domain 11; minus strand). Cytogenetic location: 16q24.3.
Variant type: single nucleotide variant.
Coding change: c.2330A>G on transcript NM_013275.6 (MANE Select); coding-DNA position 2330, A replaced by G.
Protein change: p.Glu777Gly; replaces glutamic acid 777 with glycine.
Molecular consequence: missense variant.
Genome position (GRCh38, 1-based): chr16:89,284,212, T>C on the plus strand (A>G on the coding strand, the complement: ANKRD11 is on the minus strand). VCF-style: chr16-89284212-T-C. GRCh37 (hg19) VCF-style: chr16-89350620-T-C.
Other names: c.2330A>G, p.Glu777Gly (NM_001256182.2, NM_001256183.2); short protein forms E777G.
Identifiers: ClinVar variation 2971277 (VCV002971277.3), dbSNP rs1294887176, ClinGen allele CA397162670.

ClinVar aggregate classification (germline): Uncertain significance (1 of 4 stars; one submission).

Conditions:
KBG syndrome (KBGS). Also called: ANKRD11-Related KBG Syndrome. Identifiers: Orphanet 2332, MedGen C0220687, MONDO:0007846, OMIM 148050.

Allele frequency attached by ClinVar (database versions not stated): gnomAD exomes below 0.00001; gnomAD 0.00001; TOPMed 0.00002.
gnomAD v4.1: 5 of 1,612,294 alleles (0.00031%); highest among the groups gnomAD compares: Admixed American, 0.0017%; no homozygotes.

Submission:

Labcorp Genetics (formerly Invitae), Labcorp
Classification: Uncertain significance for KBG syndrome. Last evaluated: 2025-12-26. Review status: criteria provided, single submitter. Criteria: Invitae Variant Classification Sherloc (09022015). Collection method: clinical testing. Allele origin: germline.
Comment: This sequence change replaces glutamic acid, which is acidic and polar, with glycine, which is neutral and non-polar, at codon 777 of the ANKRD11 protein (p.Glu777Gly). This variant is present in population databases (no rsID available, gnomAD 0.004%). This variant has not been reported in the literature in individuals affected with ANKRD11-related conditions. ClinVar contains an entry for this variant (Variation ID: 2971277). Invitae Evidence Modeling of protein sequence and biophysical properties (such as structural, functional, and spatial information, amino acid conservation, physicochemical variation, residue mobility, and thermodynamic stability) indicates that this missense variant is not expected to disrupt ANKRD11 protein function with a negative predictive value of 95%. In summary, the available evidence is currently insufficient to determine the role of this variant in disease. Therefore, it has been classified as a Variant of Uncertain Significance.